The following is an entry in ClinVar:

ClinVar aggregate classification (germline): Uncertain significance (1 of 4 stars; one submission).

Conditions:
Hereditary cancer-predisposing syndrome. Also called: Tumor predisposition; Hereditary neoplastic syndrome; Hereditary Cancer Syndrome; Neoplastic Syndromes, Hereditary. Identifiers: Orphanet 140162, MedGen C0027672, MeSH D009386, MONDO:0015356.

Submission:

Ambry Genetics
Classification: Uncertain significance for Hereditary cancer-predisposing syndrome. Last evaluated: 2025-05-02. Review status: criteria provided, single submitter. Criteria: Ambry Variant Classification Scheme 2023. Collection method: clinical testing. Allele origin: germline.
Comment: The p.S136A variant (also known as c.406T>G), located in coding exon 6 of the SMARCE1 gene, results from a T to G substitution at nucleotide position 406. The serine at codon 136 is replaced by alanine, an amino acid with similar properties. This amino acid position is conserved. In addition, the in silico prediction for this alteration is inconclusive. Based on the available evidence, the clinical significance of this variant remains unclear.

NM_003079.5(SMARCE1):c.406T>G (p.Ser136Ala)

Gene: SMARCE1 (SWI/SNF related BAF chromatin remodeling complex subunit E1; minus strand). Cytogenetic location: 17q21.2.
Variant type: single nucleotide variant.
Coding change: c.406T>G on transcript NM_003079.5 (MANE Select); coding-DNA position 406, T replaced by G.
Protein change: p.Ser136Ala; replaces serine 136 with alanine.
Molecular consequence: missense variant.
Genome position (GRCh38, 1-based): chr17:40,636,066, A>C on the plus strand (T>G on the coding strand, the complement: SMARCE1 is on the minus strand). VCF-style: chr17-40636066-A-C. GRCh37 (hg19) VCF-style: chr17-38792318-A-C.
Other names: short protein forms S136A.
Identifiers: ClinVar variation 3958598 (VCV003958598.1).